The following is an entry in ClinVar:

ClinVar aggregate classification (germline): Uncertain significance (1 of 4 stars; one submission).

Submission:

Ambry Genetics
Classification: Uncertain significance. Last evaluated: 2024-05-16. Review status: criteria provided, single submitter. Criteria: Ambry Variant Classification Scheme 2023. Collection method: clinical testing. Allele origin: germline.
Comment: The p.A98T variant (also known as c.292G>A), located in coding exon 1 of the EGLN2 gene, results from a G to A substitution at nucleotide position 292. The alanine at codon 98 is replaced by threonine, an amino acid with similar properties. This amino acid position is conserved. In addition, this alteration is predicted to be tolerated by in silico analysis. Based on the available evidence, the clinical significance of this variant remains unclear.

NM_080732.4(EGLN2):c.292G>A (p.Ala98Thr)

Genes: EGLN2 (egl-9 family hypoxia inducible factor 2; plus strand), RAB4B-EGLN2 (RAB4B-EGLN2 readthrough (NMD candidate); plus strand). Cytogenetic location: 19q13.2.
Variant type: single nucleotide variant.
Coding change: c.292G>A on transcript NM_080732.4 (MANE Select); coding-DNA position 292, G replaced by A.
Protein change: p.Ala98Thr; replaces alanine 98 with threonine.
Molecular consequence: missense variant. On other transcripts: non-coding transcript variant (1).
Genome position (GRCh38, 1-based): chr19:40,800,864, G>A. VCF-style: chr19-40800864-G-A. GRCh37 (hg19) VCF-style: chr19-41306769-G-A.
Other names: c.292G>A, p.Ala98Thr (NM_053046.4); short protein forms A98T.
Identifiers: ClinVar variation 3274827 (VCV003274827.1).